The following is an entry in ClinVar:

ClinVar aggregate classification (germline): Uncertain significance (1 of 4 stars; one submission).

Conditions:
Hereditary cancer-predisposing syndrome. Also called: Neoplastic Syndromes, Hereditary; Hereditary neoplastic syndrome; Tumor predisposition; Hereditary Cancer Syndrome. Identifiers: Orphanet 140162, MedGen C0027672, MeSH D009386, MONDO:0015356.

Submission:

Ambry Genetics
Classification: Uncertain significance for Hereditary cancer-predisposing syndrome. Last evaluated: 2024-12-25. Review status: criteria provided, single submitter. Criteria: Ambry Variant Classification Scheme 2023. Collection method: clinical testing. Allele origin: germline.
Comment: The p.D1156G variant (also known as c.3467A>G), located in coding exon 17 of the BLM gene, results from an A to G substitution at nucleotide position 3467. The aspartic acid at codon 1156 is replaced by glycine, an amino acid with similar properties. This amino acid position is conserved. In addition, this alteration is predicted to be tolerated by in silico analysis. Since supporting evidence is limited at this time, the clinical significance of this alteration remains unclear.

NM_000057.4(BLM):c.3467A>G (p.Asp1156Gly)

Gene: BLM (BLM RecQ like helicase; plus strand). Cytogenetic location: 15q26.1.
Variant type: single nucleotide variant.
Coding change: c.3467A>G on transcript NM_000057.4 (MANE Select); coding-DNA position 3467, A replaced by G.
Protein change: p.Asp1156Gly; replaces aspartic acid 1156 with glycine.
Molecular consequence: missense variant. On other transcripts: intron variant (1).
Genome position (GRCh38, 1-based): chr15:90,803,629, A>G. VCF-style: chr15-90803629-A-G. GRCh37 (hg19) VCF-style: chr15-91346859-A-G.
Other names: c.3467A>G, p.Asp1156Gly (NM_001287246.2); c.2342A>G, p.Asp781Gly (NM_001287248.2); c.3358+5292A>G (NM_001287247.2); short protein forms D1156G, D781G.
Identifiers: ClinVar variation 2481999 (VCV002481999.3), dbSNP rs2151194299, ClinGen allele CA393847660.